The following is an entry in ClinVar:

NM_004380.3(CREBBP):c.4404dup (p.Gly1469fs)

Gene: CREBBP (CREB binding lysine acetyltransferase; minus strand). Cytogenetic location: 16p13.3.
Variant type: Duplication.
Coding change: c.4404dup on transcript NM_004380.3 (MANE Select); coding-DNA position 4404, one base duplicated (A; older notation c.4404dupA).
Protein change: p.Gly1469fs; shifts the reading frame from glycine 1469.
Molecular consequence: frameshift variant.
Genome position (GRCh38, 1-based): chr16:3,736,806, T duplicated on the plus strand (A on the coding strand, the reverse complement: CREBBP is on the minus strand). VCF-style (leftmost placement, unchanged base first): chr16-3736805-C-CT. GRCh37 (hg19) VCF-style: chr16-3786806-C-CT.
Other names: c.4290dup, p.Gly1431fs (NM_001079846.1); short protein forms G1431fs, G1469fs.
Identifiers: ClinVar variation 949875 (VCV000949875.1), dbSNP rs2052073167, ClinGen allele CA1139664475.

ClinVar aggregate classification (germline): Pathogenic (1 of 4 stars; one submission).

Conditions:
Rubinstein-Taybi syndrome (RSTS). Identifiers: Orphanet 783, MedGen C0035934, MONDO:0019188.

Submission:

Labcorp Genetics (formerly Invitae), Labcorp
Classification: Pathogenic for Rubinstein-Taybi syndrome. Last evaluated: 2019-05-01. Review status: criteria provided, single submitter. Criteria: Invitae Variant Classification Sherloc (09022015). Collection method: clinical testing. Allele origin: germline.
Comment: This sequence change creates a premature translational stop signal (p.Gly1469Argfs*10) in the CREBBP gene. It is expected to result in an absent or disrupted protein product. This variant is not present in population databases (ExAC no frequency). This variant has not been reported in the literature in individuals with CREBBP-related conditions. Loss-of-function variants in CREBBP are known to be pathogenic (PMID: 17052327, 18792986). For these reasons, this variant has been classified as Pathogenic.